The following is an entry in ClinVar:

NM_015466.4(PTPN23):c.4155C>G (p.His1385Gln)

Gene: PTPN23 (protein tyrosine phosphatase non-receptor type 23; plus strand). Cytogenetic location: 3p21.31.
Variant type: single nucleotide variant.
Coding change: c.4155C>G on transcript NM_015466.4 (MANE Select); coding-DNA position 4155, C replaced by G.
Protein change: p.His1385Gln; replaces histidine 1385 with glutamine.
Molecular consequence: missense variant.
Genome position (GRCh38, 1-based): chr3:47,412,175, C>G. VCF-style: chr3-47412175-C-G. GRCh37 (hg19) VCF-style: chr3-47453665-C-G.
Other names: c.4155C>G (NM_015466.2); c.3777C>G, p.His1259Gln (NM_001304482.2); short protein forms H1385Q, H1259Q.
Identifiers: ClinVar variation 1416372 (VCV001416372.6), dbSNP rs145347025, ClinGen allele CA2366480.

ClinVar aggregate classification (germline): Uncertain significance. Review status: criteria provided, multiple submitters, no conflicts (2 of 4 stars). 4 submissions from 4 submitters: Uncertain significance (4). Last evaluated 2024-11-26.

Conditions:
Inborn genetic diseases. Identifiers: MedGen C0950123, MeSH D030342.

Allele frequency attached by ClinVar (database versions not stated): 1000 Genomes Project 30x 0.00016; 1000 Genomes Project 0.00020; gnomAD exomes 0.00024; ExAC 0.00029; TOPMed 0.00036; gnomAD 0.00041 and 0.00043; ESP Exome Variant Server 0.00085.
gnomAD v4.1: 745 of 1,613,208 alleles (0.046%); highest among the groups gnomAD compares: Non-Finnish European, 0.058%; no homozygotes.

Submissions (4):

Blueprint Genetics
Classification: Uncertain significance. Last evaluated: 2024-11-26. Review status: criteria provided, single submitter. Criteria: ACMG Guidelines, 2015. Collection method: clinical testing. Allele origin: germline.

Labcorp Genetics (formerly Invitae), Labcorp
Classification: Uncertain significance. Last evaluated: 2024-01-02. Review status: criteria provided, single submitter. Criteria: Invitae Variant Classification Sherloc (09022015). Collection method: clinical testing. Allele origin: germline.
Comment: This sequence change replaces histidine, which is basic and polar, with glutamine, which is neutral and polar, at codon 1385 of the PTPN23 protein (p.His1385Gln). This variant is present in population databases (rs145347025, gnomAD 0.05%). This variant has not been reported in the literature in individuals affected with PTPN23-related conditions. ClinVar contains an entry for this variant (Variation ID: 1416372). An algorithm developed to predict the effect of missense changes on protein structure and function (PolyPhen-2) suggests that this variant¬†is likely to be tolerated. In summary, the available evidence is currently insufficient to determine the role of this variant in disease. Therefore, it has been classified as a Variant of Uncertain Significance.

GeneDx
Classification: Uncertain significance. Last evaluated: 2023-03-31. Review status: criteria provided, single submitter. Criteria: GeneDx Variant Classification Process June 2021. Collection method: clinical testing. Allele origin: germline. Affected: yes.
Comment: In silico analysis supports that this missense variant does not alter protein structure/function; Has not been previously published as pathogenic or benign to our knowledge

Ambry Genetics
Classification: Uncertain significance for Inborn genetic diseases. Last evaluated: 2022-10-11. Review status: criteria provided, single submitter. Criteria: Ambry Variant Classification Scheme 2023. Collection method: clinical testing. Allele origin: germline.